The following is an entry in ClinVar:

ClinVar aggregate classification (germline): Uncertain significance. Review status: criteria provided, multiple submitters, no conflicts (2 of 4 stars). 2 submissions from 2 submitters: Uncertain significance (2). Last evaluated 2022-07-19.

Conditions:
Polyhydramnios, megalencephaly, and symptomatic epilepsy (PMSE). Also called: PMSE SYNDROME. Identifiers: Orphanet 500533, MedGen C1970203, MONDO:0012611, OMIM 611087.
Inborn genetic diseases. Identifiers: MedGen C0950123, MeSH D030342.

Allele frequency attached by ClinVar (database versions not stated): gnomAD below 0.00001 and 0.00001; TOPMed 0.00001; ExAC 0.00004.
gnomAD v4.1: 32 of 1,614,012 alleles (0.002%); highest among the groups gnomAD compares: South Asian, 0.031%; no homozygotes.

Submissions (2):

Ambry Genetics
Classification: Uncertain significance for Inborn genetic diseases. Last evaluated: 2022-07-19. Review status: criteria provided, single submitter. Criteria: Ambry Variant Classification Scheme 2023. Collection method: clinical testing. Allele origin: germline.

Labcorp Genetics (formerly Invitae), Labcorp
Classification: Uncertain significance for Polyhydramnios, megalencephaly, and symptomatic epilepsy. Last evaluated: 2021-08-26. Review status: criteria provided, single submitter. Criteria: Invitae Variant Classification Sherloc (09022015). Collection method: clinical testing. Allele origin: germline.
Comment: This sequence change replaces glycine with alanine at codon 207 of the STRADA protein (p.Gly207Ala). The glycine residue is highly conserved and there is a small physicochemical difference between glycine and alanine. This variant is present in population databases (rs778919231, ExAC 0.03%). This variant has not been reported in the literature in individuals affected with STRADA-related conditions. Algorithms developed to predict the effect of missense changes on protein structure and function are either unavailable or do not agree on the potential impact of this missense change (SIFT: "Tolerated"; PolyPhen-2: "Probably Damaging"; Align-GVGD: "Class C0"). In summary, the available evidence is currently insufficient to determine the role of this variant in disease. Therefore, it has been classified as a Variant of Uncertain Significance.

NM_001003787.4(STRADA):c.620G>C (p.Gly207Ala)

Gene: STRADA (STE20 related adaptor alpha; minus strand). Cytogenetic location: 17q23.3.
Variant type: single nucleotide variant.
Coding change: c.620G>C on transcript NM_001003787.4 (MANE Select); coding-DNA position 620, G replaced by C.
Protein change: p.Gly207Ala; replaces glycine 207 with alanine.
Molecular consequence: missense variant.
Genome position (GRCh38, 1-based): chr17:63,707,380, C>G on the plus strand (G>C on the coding strand, the complement: STRADA is on the minus strand). VCF-style: chr17-63707380-C-G. GRCh37 (hg19) VCF-style: chr17-61784740-C-G.
Other names: c.509G>C, p.Gly170Ala (NM_001003786.3, NM_001363789.1, NM_153335.6); c.446G>C, p.Gly149Ala (NM_001003788.3, NM_001363790.1, NM_001363791.1); c.533G>C, p.Gly178Ala (NM_001165969.2, NM_001363787.1); c.488G>C, p.Gly163Ala (NM_001165970.2); c.596G>C, p.Gly199Ala (NM_001363786.1); c.620G>C, p.Gly207Ala (NM_001363788.1); short protein forms G149A, G199A, G170A, G178A, G163A, G207A.
Identifiers: ClinVar variation 964869 (VCV000964869.6), dbSNP rs778919231, ClinGen allele CA8703323.